The following is an entry in ClinVar:

NM_030753.5(WNT3):c.80+3A>C

Genes: LRRC37A2 (leucine rich repeat containing 37 member A2), WNT3 (Wnt family member 3; minus strand). Cytogenetic location: 17q21.32.
Variant type: single nucleotide variant.
Coding change: c.80+3A>C on transcript NM_030753.5 (MANE Select); 3 bases into the intron after coding-DNA position 80, A replaced by C.
Molecular consequence: intron variant.
Genome position (GRCh38, 1-based): chr17:46,818,515, T>G on the plus strand (A>C on the coding strand, the complement: WNT3 is on the minus strand). VCF-style: chr17-46818515-T-G. GRCh37 (hg19) VCF-style: chr17-44895881-T-G.
Identifiers: ClinVar variation 2019868 (VCV002019868.4), dbSNP rs2546031955, ClinGen allele CA2580094022.

ClinVar aggregate classification (germline): Uncertain significance (1 of 4 stars; one submission).

Submission:

Labcorp Genetics (formerly Invitae), Labcorp
Classification: Uncertain significance. Last evaluated: 2022-07-27. Review status: criteria provided, single submitter. Criteria: Invitae Variant Classification Sherloc (09022015). Collection method: clinical testing. Allele origin: germline.
Comment: This sequence change falls in intron 1 of the WNT3 gene. It does not directly change the encoded amino acid sequence of the WNT3 protein. It affects a nucleotide within the consensus splice site. This variant is not present in population databases (gnomAD no frequency). This variant has not been reported in the literature in individuals affected with WNT3-related conditions. Variants that disrupt the consensus splice site are a relatively common cause of aberrant splicing (PMID: 17576681, 9536098). Algorithms developed to predict the effect of sequence changes on RNA splicing suggest that this variant may disrupt the consensus splice site. In summary, the available evidence is currently insufficient to determine the role of this variant in disease. Therefore, it has been classified as a Variant of Uncertain Significance.

Literature cited by the submitters: PubMed 17576681; PubMed 9536098.